The following is an entry in ClinVar:

ClinVar aggregate classification (germline): Likely benign (1 of 4 stars; one submission).

Submission:

CeGaT Center for Human Genetics Tuebingen
Classification: Likely benign. Last evaluated: 2023-08-01. Review status: criteria provided, single submitter. Criteria: CeGaT Center For Human Genetics Tuebingen Variant Classification Criteria Version 2. Collection method: clinical testing. Allele origin: germline. Affected: yes. Observed: 1 variant allele.
Comment: MUC3A: BP4, BP7

NM_005960.2(MUC3A):c.6789= (p.Thr2263=)

Gene: MUC3A (mucin 3A, cell surface associated; plus strand). Cytogenetic location: 7q22.1.
Variant type: Variation.
Coding change: c.6789= on transcript NM_005960.2 (MANE Select); coding-DNA position 6789, no change from the reference sequence.
Protein change: p.Thr2263=; no amino-acid change (threonine 2263 retained).
Molecular consequence: no sequence alteration.
Genome position: GRCh38 VCF-style: chr7-100958568-T-T. GRCh37 (hg19) VCF-style: chr7-100550697-C-T.
Identifiers: ClinVar variation 2657782 (VCV002657782.24).